The following is an entry in ClinVar:

NM_000528.4(MAN2B1):c.940A>T (p.Met314Leu)

Gene: MAN2B1 (mannosidase alpha class 2B member 1; minus strand). Cytogenetic location: 19p13.13.
Variant type: single nucleotide variant.
Coding change: c.940A>T on transcript NM_000528.4 (MANE Select); coding-DNA position 940, A replaced by T.
Protein change: p.Met314Leu; replaces methionine 314 with leucine.
Molecular consequence: missense variant.
Genome position (GRCh38, 1-based): chr19:12,661,346, T>A on the plus strand (A>T on the coding strand, the complement: MAN2B1 is on the minus strand). VCF-style: chr19-12661346-T-A. GRCh37 (hg19) VCF-style: chr19-12772160-T-A.
Other names: c.940A>T, p.Met314Leu (NM_001173498.2); short protein forms M314L.
Identifiers: ClinVar variation 1713668 (VCV001713668.5), dbSNP rs2512508190, ClinGen allele CA404250635.

ClinVar aggregate classification (germline): Uncertain significance (1 of 4 stars; one submission).

Conditions:
Deficiency of alpha-mannosidase (MANSA). Also called: Alpha-Mannosidosis; Mannosidosis, alpha-, types I and II; LYSOSOMAL ALPHA-D-MANNOSIDASE DEFICIENCY. Identifiers: Orphanet 61, MedGen C0024748, MONDO:0009561, OMIM 248500.

Submission:

Labcorp Genetics (formerly Invitae), Labcorp
Classification: Uncertain significance for Deficiency of alpha-mannosidase. Last evaluated: 2022-09-19. Review status: criteria provided, single submitter. Criteria: Invitae Variant Classification Sherloc (09022015). Collection method: clinical testing. Allele origin: germline.
Comment: This sequence change replaces methionine, which is neutral and non-polar, with leucine, which is neutral and non-polar, at codon 314 of the MAN2B1 protein (p.Met314Leu). This variant is not present in population databases (gnomAD no frequency). This variant has not been reported in the literature in individuals affected with MAN2B1-related conditions. Advanced modeling of protein sequence and biophysical properties (such as structural, functional, and spatial information, amino acid conservation, physicochemical variation, residue mobility, and thermodynamic stability) performed at Invitae indicates that this missense variant is not expected to disrupt MAN2B1 protein function. In summary, the available evidence is currently insufficient to determine the role of this variant in disease. Therefore, it has been classified as a Variant of Uncertain Significance.